The following is an entry in ClinVar:

ClinVar aggregate classification (germline): Uncertain significance (1 of 4 stars; one submission).

Submission:

CeGaT Center for Human Genetics Tuebingen
Classification: Uncertain significance. Last evaluated: 2026-01-01. Review status: criteria provided, single submitter. Criteria: CeGaT Center For Human Genetics Tuebingen Variant Classification Criteria Version 2. Collection method: clinical testing. Allele origin: germline. Affected: yes. Observed: 1 variant allele.
Comment: MAGEE2: PM2

NM_138703.5(MAGEE2):c.170A>G (p.Asn57Ser)

Gene: MAGEE2 (MAGE family member E2; minus strand). Cytogenetic location: Xq13.3.
Variant type: single nucleotide variant.
Coding change: c.170A>G on transcript NM_138703.5 (MANE Select); coding-DNA position 170, A replaced by G.
Protein change: p.Asn57Ser; replaces asparagine 57 with serine.
Molecular consequence: missense variant.
Genome position (GRCh38, 1-based): chrX:75,784,882, T>C on the plus strand (A>G on the coding strand, the complement: MAGEE2 is on the minus strand). VCF-style: chrX-75784882-T-C. GRCh37 (hg19) VCF-style: chrX-75004717-T-C.
Other names: short protein forms N57S.
Identifiers: ClinVar variation 4822931 (VCV004822931.4).